The following is an entry in ClinVar:

ClinVar aggregate classification (germline): Uncertain significance (1 of 4 stars; one submission).

gnomAD v4.1: 112 of 1,613,930 alleles (0.0069%); highest among the groups gnomAD compares: Middle Eastern, 0.016%; 1 homozygote.

Submission:

Labcorp Genetics (formerly Invitae), Labcorp
Classification: Uncertain significance. Last evaluated: 2025-04-17. Review status: criteria provided, single submitter. Criteria: Invitae Variant Classification Sherloc (09022015). Collection method: clinical testing. Allele origin: germline.
Comment: This sequence change replaces threonine, which is neutral and polar, with methionine, which is neutral and non-polar, at codon 1424 of the DSCAML1 protein (p.Thr1424Met). This variant is present in population databases (rs747726329, gnomAD 0.02%). This variant has not been reported in the literature in individuals affected with DSCAML1-related conditions. ClinVar contains an entry for this variant (Variation ID: 3626695). An algorithm developed to predict the effect of missense changes on protein structure and function (PolyPhen-2) suggests that this variant is likely to be disruptive. In summary, the available evidence is currently insufficient to determine the role of this variant in disease. Therefore, it has been classified as a Variant of Uncertain Significance.

NM_020693.4(DSCAML1):c.4091C>T (p.Thr1364Met)

Gene: DSCAML1 (DS cell adhesion molecule like 1; minus strand). Cytogenetic location: 11q23.3.
Variant type: single nucleotide variant.
Coding change: c.4091C>T on transcript NM_020693.4 (MANE Select); coding-DNA position 4091, C replaced by T.
Protein change: p.Thr1364Met; replaces threonine 1364 with methionine.
Molecular consequence: missense variant.
Genome position (GRCh38, 1-based): chr11:117,439,319, G>A on the plus strand (C>T on the coding strand, the complement: DSCAML1 is on the minus strand). VCF-style: chr11-117439319-G-A. GRCh37 (hg19) VCF-style: chr11-117310035-G-A.
Other names: short protein forms T1364M.
Identifiers: ClinVar variation 3626695 (VCV003626695.2).